The following is an entry in ClinVar:

NM_017950.4(CCDC40):c.1280C>T (p.Thr427Met)

Gene: CCDC40 (coiled-coil domain 40 molecular ruler complex subunit; plus strand). Cytogenetic location: 17q25.3.
Variant type: single nucleotide variant.
Coding change: c.1280C>T on transcript NM_017950.4 (MANE Select); coding-DNA position 1280, C replaced by T.
Protein change: p.Thr427Met; replaces threonine 427 with methionine.
Molecular consequence: missense variant.
Genome position (GRCh38, 1-based): chr17:80,058,614, C>T. VCF-style: chr17-80058614-C-T. GRCh37 (hg19) VCF-style: chr17-78032413-C-T.
Other names: c.1280C>T, p.Thr427Met (NM_001243342.2, NM_001330508.2); short protein forms T427M.
Identifiers: ClinVar variation 241232 (VCV000241232.11), dbSNP rs370720427, ClinGen allele CA8813760.
Genomic context (GRCh38, chr17:80,058,614, plus strand): 5'-TCGACCAGGACATGCGTGACGACATCCGCGTGATGACACAAGTGGTAAAGAAGGCCGAGA[C>T]GGAGAGGATCCGGGCAGAAATCGAGAAGAAAAAGCAGGTATTCTGCAAACTCGACACATG-3'
Protein context (NP_060420.2, residues 417-437): VMTQVVKKAE[Thr427Met]ERIRAEIEKK

ClinVar aggregate classification (germline): Uncertain significance. Review status: criteria provided, multiple submitters, no conflicts (2 of 4 stars). 2 submissions from 2 submitters: Uncertain significance (2). Last evaluated 2025-11-01.

Conditions:
Primary ciliary dyskinesia. Also called: Ciliary dyskinesia. Identifiers: Orphanet 244, MedGen C0008780, MONDO:0016575, HP:0012265.

Allele frequency attached by ClinVar (database versions not stated): gnomAD 0.00002; TOPMed 0.00005; ESP Exome Variant Server 0.00016.
gnomAD v4.1: 98 of 1,614,090 alleles (0.0061%); highest among the groups gnomAD compares: Admixed American, 0.012%; no homozygotes.

Submissions (2):

Labcorp Genetics (formerly Invitae), Labcorp
Classification: Uncertain significance for Primary ciliary dyskinesia. Last evaluated: 2025-11-01. Review status: criteria provided, single submitter. Criteria: Invitae Variant Classification Sherloc (09022015). Collection method: clinical testing. Allele origin: germline.
Comment: This sequence change replaces threonine, which is neutral and polar, with methionine, which is neutral and non-polar, at codon 427 of the CCDC40 protein (p.Thr427Met). This variant is present in population databases (rs370720427, gnomAD 0.01%). This variant has not been reported in the literature in individuals affected with CCDC40-related conditions. ClinVar contains an entry for this variant (Variation ID: 241232). Invitae Evidence Modeling of protein sequence and biophysical properties (such as structural, functional, and spatial information, amino acid conservation, physicochemical variation, residue mobility, and thermodynamic stability) indicates that this missense variant is not expected to disrupt CCDC40 protein function with a negative predictive value of 80%. In summary, the available evidence is currently insufficient to determine the role of this variant in disease. Therefore, it has been classified as a Variant of Uncertain Significance.

Ambry Genetics
Classification: Uncertain significance for Primary ciliary dyskinesia. Last evaluated: 2016-11-28. Review status: criteria provided, single submitter. Criteria: Ambry Variant Classification Scheme 2023. Collection method: clinical testing. Allele origin: germline.
Comment: The p.T427M variant (also known as c.1280C>T), located in coding exon 8 of the CCDC40 gene, results from a C to T substitution at nucleotide position 1280. The threonine at codon 427 is replaced by methionine, an amino acid with similar properties. Based on data from ExAC, the T allele has an overall frequency of approximately <0.01% (2/105526). This amino acid position is poorly conserved in available vertebrate species. In addition, this alteration is predicted to be tolerated by in silico analysis. Since supporting evidence is limited at this time, the clinical significance of this alteration remains unclear.